The following is an entry in ClinVar:

NM_033004.4(NLRP1):c.3128T>C (p.Ile1043Thr)

Gene: NLRP1 (NLR family pyrin domain containing 1; minus strand). Cytogenetic location: 17p13.2.
Variant type: single nucleotide variant.
Coding change: c.3128T>C on transcript NM_033004.4 (MANE Select); coding-DNA position 3128, T replaced by C.
Protein change: p.Ile1043Thr; replaces isoleucine 1043 with threonine.
Molecular consequence: missense variant.
Genome position (GRCh38, 1-based): chr17:5,533,309, A>G on the plus strand (T>C on the coding strand, the complement: NLRP1 is on the minus strand). VCF-style: chr17-5533309-A-G. GRCh37 (hg19) VCF-style: chr17-5436629-A-G.
Other names: c.3128T>C, p.Ile1043Thr (NM_001033053.3, NM_014922.5); c.3038T>C, p.Ile1013Thr (NM_033006.4, NM_033007.4); short protein forms I1013T, I1043T.
Identifiers: ClinVar variation 1024589 (VCV001024589.8), dbSNP rs376030014, ClinGen allele CA8326933.

ClinVar aggregate classification (germline): Uncertain significance (1 of 4 stars; one submission).

Allele frequency attached by ClinVar (database versions not stated): gnomAD exomes below 0.00001 and 0.00001; gnomAD 0.00001; TOPMed 0.00003; ExAC 0.00005; ESP Exome Variant Server 0.00014.
gnomAD v4.1: 3 of 1,544,156 alleles (0.00019%); highest among the groups gnomAD compares: Non-Finnish European, 0.00026%; no homozygotes.

Submission:

Labcorp Genetics (formerly Invitae), Labcorp
Classification: Uncertain significance. Last evaluated: 2025-01-02. Review status: criteria provided, single submitter. Criteria: Invitae Variant Classification Sherloc (09022015). Collection method: clinical testing. Allele origin: germline.
Comment: This sequence change replaces isoleucine, which is neutral and non-polar, with threonine, which is neutral and polar, at codon 1043 of the NLRP1 protein (p.Ile1043Thr). This variant is not present in population databases (gnomAD no frequency). This variant has not been reported in the literature in individuals affected with NLRP1-related conditions. ClinVar contains an entry for this variant (Variation ID: 1024589). An algorithm developed to predict the effect of missense changes on protein structure and function (PolyPhen-2) suggests that this variant is likely to be tolerated. In summary, the available evidence is currently insufficient to determine the role of this variant in disease. Therefore, it has been classified as a Variant of Uncertain Significance.